The following is an entry in ClinVar:

ClinVar aggregate classification (germline): Uncertain significance. Review status: criteria provided, multiple submitters, no conflicts (2 of 4 stars). 5 submissions from 5 submitters: Uncertain significance (5). Last evaluated 2024-08-05.

Conditions:
Colorectal cancer, susceptibility to, 1. Also called: COLORECTAL ADENOMA AND CANCER, SUSCEPTIBILITY TO; COLORECTAL CANCER, SUSCEPTIBILITY TO, ON CHROMOSOME 9. Identifiers: MedGen C1837315, MONDO:0012132, OMIM 608812.

Allele frequency attached by ClinVar (database versions not stated): ExAC 0.00001; TOPMed 0.00001.

Submissions (5):

Ambry Genetics
Classification: Uncertain significance. Last evaluated: 2024-08-05. Review status: criteria provided, single submitter. Criteria: Ambry Variant Classification Scheme 2023. Collection method: clinical testing. Allele origin: germline.
Comment: The p.N339K variant (also known as c.1017C>A), located in coding exon 5 of the GALNT12 gene, results from a C to A substitution at nucleotide position 1017. The asparagine at codon 339 is replaced by lysine, an amino acid with similar properties. This amino acid position is highly conserved in available vertebrate species. In addition, the in silico prediction for this alteration is inconclusive. The evidence for this gene-disease relationship is limited; therefore, the clinical significance of this alteration is unclear.

Fulgent Genetics
Classification: Uncertain significance for Colorectal cancer, susceptibility to, 1. Last evaluated: 2024-03-13. Review status: criteria provided, single submitter. Criteria: ACMG Guidelines, 2015. Collection method: clinical testing. Allele origin: germline.

Baylor Genetics
Classification: Uncertain significance for Colorectal cancer, susceptibility to, 1. Last evaluated: 2023-10-11. Review status: criteria provided, single submitter. Criteria: ACMG Guidelines, 2015. Collection method: clinical testing. Allele origin: unknown.

Quest Diagnostics Nichols Institute San Juan Capistrano
Classification: Uncertain significance. Last evaluated: 2023-01-02. Review status: criteria provided, single submitter. Criteria: Quest Diagnostics criteria. Collection method: clinical testing. Allele origin: unknown.
Comment: The variant has not been reported in the published literature. The frequency of this variant in the general population, 0.000012 (3/251460 chromosomes), is uninformative in assessment of its pathogenicity. Analysis of this variant using bioinformatics tools for the prediction of the effect of amino acid changes on protein structure and function yielded predictions that this variant is damaging. Based on the available information, we are unable to determine the clinical significance of this variant.

Labcorp Genetics (formerly Invitae), Labcorp
Classification: Uncertain significance. Last evaluated: 2022-08-09. Review status: criteria provided, single submitter. Criteria: Invitae Variant Classification Sherloc (09022015). Collection method: clinical testing. Allele origin: germline.
Comment: In summary, the available evidence is currently insufficient to determine the role of this variant in disease. Therefore, it has been classified as a Variant of Uncertain Significance. Algorithms developed to predict the effect of missense changes on protein structure and function (SIFT, PolyPhen-2, Align-GVGD) all suggest that this variant is likely to be disruptive. ClinVar contains an entry for this variant (Variation ID: 410591). This variant has not been reported in the literature in individuals affected with GALNT12-related conditions. This variant is present in population databases (rs756614355, gnomAD 0.006%). This sequence change replaces asparagine, which is neutral and polar, with lysine, which is basic and polar, at codon 339 of the GALNT12 protein (p.Asn339Lys).

NM_024642.5(GALNT12):c.1017C>A (p.Asn339Lys)

Gene: GALNT12 (polypeptide N-acetylgalactosaminyltransferase 12; plus strand). Cytogenetic location: 9q22.33.
Variant type: single nucleotide variant.
Coding change: c.1017C>A on transcript NM_024642.5 (MANE Select); coding-DNA position 1017, C replaced by A.
Protein change: p.Asn339Lys; replaces asparagine 339 with lysine.
Molecular consequence: missense variant.
Genome position (GRCh38, 1-based): chr9:98,835,348, C>A. VCF-style: chr9-98835348-C-A. GRCh37 (hg19) VCF-style: chr9-101597630-C-A.
Other names: short protein forms N339K.
Identifiers: ClinVar variation 410591 (VCV000410591.18), dbSNP rs756614355, ClinGen allele CA5154135.
Genomic context (GRCh38, chr9:98,835,348, plus strand): 5'-GAAATATTTTGAATATCTGGGGTCTTATGATACAGGAATGGAAGTTTGGGGAGGAGAAAA[C>A]CTCGAATTTTCCTTTAGGGTAAGTATTTCAGTCTTCTCTTTGGACATGTTCTTAACTGAT-3'
Protein context (NP_078918.3, residues 329-349): DTGMEVWGGE[Asn339Lys]LEFSFRIWQC